The following is an entry in ClinVar:

NM_002354.3(EPCAM):c.172A>G (p.Ile58Val)

Gene: EPCAM (epithelial cell adhesion molecule; plus strand). Cytogenetic location: 2p21.
Variant type: single nucleotide variant.
Coding change: c.172A>G on transcript NM_002354.3 (MANE Select); coding-DNA position 172, A replaced by G.
Protein change: p.Ile58Val; replaces isoleucine 58 with valine.
Molecular consequence: missense variant.
Genome position (GRCh38, 1-based): chr2:47,373,558, A>G. VCF-style: chr2-47373558-A-G. GRCh37 (hg19) VCF-style: chr2-47600697-A-G.
Other names: short protein forms I58V.
Identifiers: ClinVar variation 2477595 (VCV002477595.3), dbSNP rs766137056, ClinGen allele CA1648896.

ClinVar aggregate classification (germline): Uncertain significance (1 of 4 stars; one submission).

Conditions:
Hereditary cancer-predisposing syndrome. Also called: Neoplastic Syndromes, Hereditary; Hereditary neoplastic syndrome; Tumor predisposition; Hereditary Cancer Syndrome. Identifiers: Orphanet 140162, MedGen C0027672, MeSH D009386, MONDO:0015356.

Allele frequency attached by ClinVar (database versions not stated): gnomAD exomes below 0.00001; ExAC 0.00001.
gnomAD v4.1: 1 of 1,610,706 alleles (0.000062%); highest among the groups gnomAD compares: Non-Finnish European, 0.000085%; no homozygotes.

Submission:

Ambry Genetics
Classification: Uncertain significance for Hereditary cancer-predisposing syndrome. Last evaluated: 2025-11-09. Review status: criteria provided, single submitter. Criteria: Ambry Variant Classification Scheme 2023. Collection method: clinical testing. Allele origin: germline.
Comment: The p.I58V variant (also known as c.172A>G), located in coding exon 2 of the EPCAM gene, results from an A to G substitution at nucleotide position 172. The isoleucine at codon 58 is replaced by valine, an amino acid with highly similar properties. This amino acid position is conserved. In addition, this alteration is predicted to be tolerated by in silico analysis. Since supporting evidence is limited at this time, the clinical significance of this alteration remains unclear.